The following is an entry in ClinVar:

ClinVar aggregate classification (germline): Pathogenic (1 of 4 stars; one submission).

Conditions:
Familial focal epilepsy with variable foci (FPEVF). Identifiers: Orphanet 98820, MedGen C1858477, MONDO:0020310.

Submission:

Labcorp Genetics (formerly Invitae), Labcorp
Classification: Pathogenic for Familial focal epilepsy with variable foci. Last evaluated: 2021-12-24. Review status: criteria provided, single submitter. Criteria: Invitae Variant Classification Sherloc (09022015). Collection method: clinical testing. Allele origin: germline.
Comment: For these reasons, this variant has been classified as Pathogenic. This variant has not been reported in the literature in individuals affected with DEPDC5-related conditions. This variant is not present in population databases (gnomAD no frequency). This sequence change creates a premature translational stop signal (p.Thr72Aspfs*17) in the DEPDC5 gene. It is expected to result in an absent or disrupted protein product. Loss-of-function variants in DEPDC5 are known to be pathogenic (PMID: 23542697, 23542701).

Literature cited by the submitters: PubMed 23542697; PubMed 23542701.

NM_001242896.3(DEPDC5):c.212dup (p.Thr72fs)

Gene: DEPDC5 (DEP domain containing 5, GATOR1 subcomplex subunit; plus strand). Cytogenetic location: 22q12.2.
Variant type: Duplication.
Coding change: c.212dup on transcript NM_001242896.3 (MANE Select); coding-DNA position 212, one base duplicated (A; older notation c.212dupA).
Protein change: p.Thr72fs; shifts the reading frame from threonine 72.
Molecular consequence: frameshift variant. On other transcripts: non-coding transcript variant (5).
Genome position (GRCh38, 1-based): chr22:31,764,993, A duplicated. VCF-style (leftmost placement, unchanged base first): chr22-31764992-C-CA. GRCh37 (hg19) VCF-style: chr22-32160978-C-CA.
Other names: c.212dup, p.Thr72fs (NM_001007188.4, NM_001136029.4, NM_001242897.2 and 9 more transcripts); short protein forms T72fs.
Identifiers: ClinVar variation 1365611 (VCV001365611.6), dbSNP rs2148103177, ClinGen allele CA2573158144.